The following is an entry in ClinVar:

NM_001039372.4(HEPACAM2):c.80-41G>A

Gene: HEPACAM2 (HEPACAM family member 2; minus strand). Cytogenetic location: 7q21.2.
Variant type: single nucleotide variant.
Coding change: c.80-41G>A on transcript NM_001039372.4 (MANE Select); 41 bases into the intron before coding-DNA position 80, G replaced by A.
Molecular consequence: intron variant. On other transcripts: missense variant (2), initiator codon variant (2).
Genome position (GRCh38, 1-based): chr7:93,219,492, C>T on the plus strand (G>A on the coding strand, the complement: HEPACAM2 is on the minus strand). VCF-style: chr7-93219492-C-T. GRCh37 (hg19) VCF-style: chr7-92848805-C-T.
Other names: c.-146-41G>A (NM_001346642.2); c.149-41G>A (NM_001288804.3); c.3G>A, p.Met1Ile (NM_001288810.3, NM_198151.4); short protein forms M1I.
Identifiers: ClinVar variation 161850 (VCV000161850.3), dbSNP rs193921119, ClinGen allele CA174904.

ClinVar aggregate classification (germline): Uncertain significance (0 of 4 stars; one submission).

Conditions:
Prostate cancer. Also called: Malignant tumor of prostate. Identifiers: Orphanet 1331, MedGen C0376358, MONDO:0008315, HP:0012125.

Allele frequency attached by ClinVar (database versions not stated): TOPMed 0.00002; gnomAD 0.00002.
gnomAD v4.1: 3 of 1,611,216 alleles (0.00019%); highest among the groups gnomAD compares: African/African-American, 0.004%; no homozygotes.

Submission:

Science for Life laboratory,  Karolinska Institutet
Classification: Uncertain significance for Malignant tumor of prostate. Review status: no assertion criteria provided. Collection method: not provided. Allele origin: somatic.
Comment: TumorID:SWE-92A
ClinVar note: Converted during submission from Unknown to Uncertain significance.